The following is an entry in ClinVar:

ClinVar aggregate classification (germline): Pathogenic (1 of 4 stars; one submission).

Submission:

Labcorp Genetics (formerly Invitae), Labcorp
Classification: Pathogenic. Last evaluated: 2023-09-04. Review status: criteria provided, single submitter. Criteria: Invitae Variant Classification Sherloc (09022015). Collection method: clinical testing. Allele origin: germline.
Comment: This sequence change affects the initiator methionine of the EMC1 mRNA. The next in-frame methionine is located at codon 90. This variant is not present in population databases (gnomAD no frequency). This variant has not been reported in the literature in individuals affected with EMC1-related conditions. ClinVar contains an entry for this variant (Variation ID: 1470767). This variant disrupts a region of the EMC1 protein in which other variant(s) (p.Thr82Met) have been determined to be pathogenic (PMID: 26942288, 31904590). This suggests that this is a clinically significant region of the protein, and that variants that disrupt it are likely to be disease-causing. For these reasons, this variant has been classified as Pathogenic.

Literature cited by the submitters: PubMed 26942288; PubMed 31904590.

NM_015047.3(EMC1):c.1A>G (p.Met1Val)

Gene: EMC1 (ER membrane protein complex subunit 1; minus strand). Cytogenetic location: 1p36.13.
Variant type: single nucleotide variant.
Coding change: c.1A>G on transcript NM_015047.3 (MANE Select); coding-DNA position 1, A replaced by G.
Protein change: p.Met1Val; changes the start codon (methionine 1).
Molecular consequence: missense variant, initiator codon variant.
Genome position (GRCh38, 1-based): chr1:19,251,509, T>C on the plus strand (A>G on the coding strand, the complement: EMC1 is on the minus strand). VCF-style: chr1-19251509-T-C. GRCh37 (hg19) VCF-style: chr1-19578003-T-C.
Other names: c.1A>G, p.Met1Val (NM_001271427.2, NM_001271428.2, NM_001271429.2 and 2 more transcripts); short protein forms M1V.
Identifiers: ClinVar variation 1470767 (VCV001470767.8), dbSNP rs2151970377, ClinGen allele CA338776234.
Genomic context (GRCh38, chr1:19,251,509, plus strand): 5'-CGGCCGCAGGAATCAGCAGCGTAGCCCAAAGCCAGAAACGAGAAGCCCACTCAGCCGCCA[T>C]GATGCGAGCGCATGCACCACCCACCGCCGTCCCGGCATGCACCGCGCCGCGGGCTCCGCC-3'
Protein context (NP_055862.1, residues 1-11): [Met1Val]AAEWASRFWL